The following is an entry in ClinVar:

ClinVar aggregate classification (germline): Uncertain significance (1 of 4 stars; one submission).

Conditions:
Neurofibromatosis, type 1 (NF1). Also called: Neurofibromatosis, type I; VON RECKLINGHAUSEN DISEASE; NEUROFIBROMATOSIS, TYPE I, SOMATIC; Peripheral type neurofibromatosis. Identifiers: Orphanet 636, MedGen C0027831, MONDO:0018975, OMIM 162200. Disease mechanism: loss of function.

Submission:

Labcorp Genetics (formerly Invitae), Labcorp
Classification: Uncertain significance for Neurofibromatosis, type 1. Last evaluated: 2021-11-19. Review status: criteria provided, single submitter. Criteria: Invitae Variant Classification Sherloc (09022015). Collection method: clinical testing. Allele origin: germline.
Comment: In summary, the available evidence is currently insufficient to determine the role of this variant in disease. Therefore, it has been classified as a Variant of Uncertain Significance. Advanced modeling of protein sequence and biophysical properties (such as structural, functional, and spatial information, amino acid conservation, physicochemical variation, residue mobility, and thermodynamic stability) performed at Invitae indicates that this missense variant is expected to disrupt NF1 protein function. This variant has not been reported in the literature in individuals affected with NF1-related conditions. This variant is not present in population databases (gnomAD no frequency). This sequence change replaces arginine, which is basic and polar, with serine, which is neutral and polar, at codon 103 of the NF1 protein (p.Arg103Ser).

NM_001042492.3(NF1):c.309A>T (p.Arg103Ser)

Gene: NF1 (neurofibromin 1; plus strand). Cytogenetic location: 17q11.2.
Variant type: single nucleotide variant.
Coding change: c.309A>T on transcript NM_001042492.3 (MANE Select); coding-DNA position 309, A replaced by T.
Protein change: p.Arg103Ser; replaces arginine 103 with serine.
Molecular consequence: missense variant.
Genome position (GRCh38, 1-based): chr17:31,163,206, A>T. VCF-style: chr17-31163206-A-T. GRCh37 (hg19) VCF-style: chr17-29490224-A-T.
Other names: c.309A>T, p.Arg103Ser (NM_000267.4, NM_001128147.3); short protein forms R103S.
Identifiers: ClinVar variation 1479423 (VCV001479423.6), dbSNP rs1225112706, ClinGen allele CA398981669.